The following is an entry in ClinVar:

NM_007118.4(TRIO):c.6487A>G (p.Lys2163Glu)

Gene: TRIO (trio Rho guanine nucleotide exchange factor; plus strand). Cytogenetic location: 5p15.2.
Variant type: single nucleotide variant.
Coding change: c.6487A>G on transcript NM_007118.4 (MANE Select); coding-DNA position 6487, A replaced by G.
Protein change: p.Lys2163Glu; replaces lysine 2163 with glutamic acid.
Molecular consequence: missense variant. On other transcripts: non-coding transcript variant (1).
Genome position (GRCh38, 1-based): chr5:14,482,603, A>G. VCF-style: chr5-14482603-A-G. GRCh37 (hg19) VCF-style: chr5-14482712-A-G.
Other names: short protein forms K2163E.
Identifiers: ClinVar variation 4849151 (VCV004849151.1).
Genomic context (GRCh38, chr5:14,482,603, plus strand): 5'-CTTCTCCCCTTCCTTTTCCCCCTTTATTTCTTGTTTTAGGGGAAAATCGTTGCCCAGGGT[A>G]AACTGCTCTTGCAGGACACATTCTTGGTCACAGACCAAGATGCAGGACTTCTGCCTCGCT-3'
Protein context (NP_009049.2, residues 2153-2173): GFDGKIVAQG[Lys2163Glu]LLLQDTFLVT

ClinVar aggregate classification (germline): Uncertain significance (1 of 4 stars; one submission).

Submission:

Women's Health and Genetics/Laboratory Corporation of America, LabCorp
Classification: Uncertain significance. Last evaluated: 2026-04-22. Review status: criteria provided, single submitter. Criteria: LabCorp Variant Classification Summary - May 2015. Collection method: clinical testing. Allele origin: germline.
Comment: Variant summary: TRIO c.6487A>G (p.Lys2163Glu) results in a conservative amino acid change in the encoded protein sequence. Algorithms developed to predict the effect of missense changes on protein structure and function are either unavailable or do not agree on the potential impact of this missense change. The variant was absent in 208232 control chromosomes. The available data on variant occurrences in the general population are insufficient to allow any conclusion about variant significance. To our knowledge, no occurrence of c.6487A>G in individuals affected with TRIO-related conditions and no experimental evidence demonstrating its impact on protein function have been reported. No submitters have cited clinical-significance assessments for this variant to ClinVar. Based on the evidence outlined above, the variant was classified as uncertain significance.